The following is an entry in ClinVar:

NM_024753.5(TTC21B):c.2288G>A (p.Gly763Asp)

Gene: TTC21B (tetratricopeptide repeat domain 21B; minus strand). Cytogenetic location: 2q24.3.
Variant type: single nucleotide variant.
Coding change: c.2288G>A on transcript NM_024753.5 (MANE Select); coding-DNA position 2288, G replaced by A.
Protein change: p.Gly763Asp; replaces glycine 763 with aspartic acid.
Molecular consequence: missense variant.
Genome position (GRCh38, 1-based): chr2:165,912,548, C>T on the plus strand (G>A on the coding strand, the complement: TTC21B is on the minus strand). VCF-style: chr2-165912548-C-T. GRCh37 (hg19) VCF-style: chr2-166769058-C-T.
Other names: short protein forms G763D.
Identifiers: ClinVar variation 2144966 (VCV002144966.4), dbSNP rs754922610, ClinGen allele CA1941875.

ClinVar aggregate classification (germline): Uncertain significance (1 of 4 stars; one submission).

Conditions:
Jeune thoracic dystrophy. Also called: Jeune syndrome; Infantile thoracic dystrophy; Thoracic pelvic phalangeal dystrophy; Jeune's syndrome; Chondroectodermal dysplasia-like syndrome; Short-rib thoracic dysplasia. Identifiers: Orphanet 474, MedGen C0265275, MONDO:0018770.
Nephronophthisis. Also called: Juvenile Nephronophthisis. Identifiers: Orphanet 655, MedGen C0687120, MONDO:0019005, HP:0000090.

Allele frequency attached by ClinVar (database versions not stated): TOPMed below 0.00001; gnomAD exomes 0.00002; ExAC 0.00004.
gnomAD v4.1: 29 of 1,613,970 alleles (0.0018%); highest among the groups gnomAD compares: Non-Finnish European, 0.0024%; no homozygotes.

Submission:

Labcorp Genetics (formerly Invitae), Labcorp
Classification: Uncertain significance for Jeune thoracic dystrophy; Nephronophthisis. Last evaluated: 2023-11-27. Review status: criteria provided, single submitter. Criteria: Invitae Variant Classification Sherloc (09022015). Collection method: clinical testing. Allele origin: germline.
Comment: This sequence change replaces glycine, which is neutral and non-polar, with aspartic acid, which is acidic and polar, at codon 763 of the TTC21B protein (p.Gly763Asp). This variant is present in population databases (rs754922610, gnomAD 0.004%). This variant has not been reported in the literature in individuals affected with TTC21B-related conditions. ClinVar contains an entry for this variant (Variation ID: 2144966). Advanced modeling of protein sequence and biophysical properties (such as structural, functional, and spatial information, amino acid conservation, physicochemical variation, residue mobility, and thermodynamic stability) has been performed at Invitae for this missense variant, however the output from this modeling did not meet the statistical confidence thresholds required to predict the impact of this variant on TTC21B protein function. In summary, the available evidence is currently insufficient to determine the role of this variant in disease. Therefore, it has been classified as a Variant of Uncertain Significance.